The following is an entry in ClinVar:

NM_001367624.2(ZNF469):c.7774C>T (p.Pro2592Ser)

Gene: ZNF469 (zinc finger protein 469; plus strand). Cytogenetic location: 16q24.2.
Variant type: single nucleotide variant.
Coding change: c.7774C>T on transcript NM_001367624.2 (MANE Select); coding-DNA position 7774, C replaced by T.
Protein change: p.Pro2592Ser; replaces proline 2592 with serine.
Molecular consequence: missense variant.
Genome position (GRCh38, 1-based): chr16:88,435,244, C>T. VCF-style: chr16-88435244-C-T. GRCh37 (hg19) VCF-style: chr16-88501652-C-T.
Other names: short protein forms P2592S.
Identifiers: ClinVar variation 2706330 (VCV002706330.1), dbSNP rs1301807412, ClinGen allele CA397114741.
Genomic context (GRCh38, chr16:88,435,244, plus strand): 5'-CAGCTGCACCCTCCAAGCCCTACTGAGCATGAGGTAGATGTGAAGACTCCGGCCTCCAAG[C>T]CCAGACCAGACCAGGCCAGGGAAGATGAGCTGCATCCCAAACAGGCAGAAAAAAGAGAAG-3'
Protein context (NP_001354553.1, residues 2582-2602): EVDVKTPASK[Pro2592Ser]RPDQAREDEL

ClinVar aggregate classification (germline): Uncertain significance (1 of 4 stars; one submission).

Submission:

Labcorp Genetics (formerly Invitae), Labcorp
Classification: Uncertain significance. Last evaluated: 2023-12-30. Review status: criteria provided, single submitter. Criteria: Invitae Variant Classification Sherloc (09022015). Collection method: clinical testing. Allele origin: germline.
Comment: This sequence change replaces proline, which is neutral and non-polar, with serine, which is neutral and polar, at codon 2564 of the ZNF469 protein (p.Pro2564Ser). This variant is not present in population databases (gnomAD no frequency). This variant has not been reported in the literature in individuals affected with ZNF469-related conditions. Algorithms developed to predict the effect of missense changes on protein structure and function output the following: SIFT: "Not Available"; PolyPhen-2: "Benign"; Align-GVGD: "Not Available". The serine amino acid residue is found in multiple mammalian species, which suggests that this missense change does not adversely affect protein function. In summary, the available evidence is currently insufficient to determine the role of this variant in disease. Therefore, it has been classified as a Variant of Uncertain Significance.